The following is an entry in ClinVar:

NM_025074.7(FRAS1):c.2133T>A (p.Cys711Ter)

Gene: FRAS1 (Fraser extracellular matrix complex subunit 1; plus strand). Cytogenetic location: 4q21.21.
Variant type: single nucleotide variant.
Coding change: c.2133T>A on transcript NM_025074.7 (MANE Select); coding-DNA position 2133, T replaced by A.
Protein change: p.Cys711Ter; replaces cysteine 711 with a stop codon.
Molecular consequence: nonsense.
Genome position (GRCh38, 1-based): chr4:78,318,982, T>A. VCF-style: chr4-78318982-T-A. GRCh37 (hg19) VCF-style: chr4-79240136-T-A.
Other names: c.2133T>A, p.Cys711Ter (NM_001166133.2); short protein forms C711*.
Identifiers: ClinVar variation 4851780 (VCV004851780.1).

ClinVar aggregate classification (germline): Likely pathogenic (1 of 4 stars; one submission).

gnomAD v4.1: 1 of 1,613,848 alleles (0.000062%); highest among the groups gnomAD compares: Non-Finnish European, 0.000085%; no homozygotes.

Submission:

Dasa
Classification: Likely pathogenic. Last evaluated: 2025-04-24. Review status: criteria provided, single submitter. Criteria: DASA Assertion Criteria. Collection method: clinical testing. Allele origin: germline.
Comment: NM_025074.7(FRAS1):c.2133T>A (p.Cys711*) introduces a premature termination codon predicted to result in loss of normal protein function. Loss-of-function is an established mechanism of disease for this gene. The variant is present at low frequency in population datasets. Based on the available data, this variant is classified as likely pathogenic.